The following is an entry in ClinVar:

NM_001042492.3(NF1):c.5297del (p.Thr1765_Ser1766insTer)

Gene: NF1 (neurofibromin 1; plus strand). Cytogenetic location: 17q11.2.
Variant type: Deletion.
Coding change: c.5297del on transcript NM_001042492.3 (MANE Select); coding-DNA position 5297, one base deleted (C; older notation c.5297delC).
Protein change: p.Thr1765_Ser1766insTer.
Molecular consequence: nonsense. On other transcripts: frameshift variant (1).
Genome position (GRCh38, 1-based): chr17:31,327,527, C deleted. VCF-style (leftmost placement, unchanged base first): chr17-31327526-TC-T. GRCh37 (hg19) VCF-style: chr17-29654544-TC-T.
Other names: c.5234delC, p.Ser1745Terfs (NM_000267.4).
Identifiers: ClinVar variation 2677230 (VCV002677230.2), dbSNP rs2508705404, ClinGen allele CA2695201296.

ClinVar aggregate classification (germline): Pathogenic/Likely pathogenic. Review status: criteria provided, multiple submitters, no conflicts (2 of 4 stars). 2 submissions from 2 submitters: Pathogenic (1); Likely pathogenic (1). Last evaluated 2022-08-11.

Conditions:
Neurofibromatosis, type 1 (NF1). Also called: NEUROFIBROMATOSIS, TYPE I, SOMATIC; Peripheral type neurofibromatosis; VON RECKLINGHAUSEN DISEASE; Neurofibromatosis, type I. Identifiers: Orphanet 636, MedGen C0027831, MONDO:0018975, OMIM 162200. Disease mechanism: loss of function.
Juvenile myelomonocytic leukemia (JMML). Also called: LEUKEMIA, JUVENILE MYELOMONOCYTIC, SOMATIC. Identifiers: Orphanet 86834, MedGen C0349639, MONDO:0011908, OMIM 607785, HP:0012209.
Neurofibromatosis, familial spinal (FSNF). Identifiers: Orphanet 636, MedGen C1834235, MONDO:0008078, OMIM 162210. Disease mechanism: loss of function.
Neurofibromatosis-Noonan syndrome (NFNS). Also called: NEUROFIBROMATOSIS WITH NOONAN PHENOTYPE. Identifiers: Orphanet 638, MedGen C2931482, MONDO:0011035, OMIM 601321. Disease mechanism: loss of function.
Café-au-lait macules with pulmonary stenosis (WTSN). Also called: PULMONIC STENOSIS WITH CAFE-AU-LAIT SPOTS. Identifiers: MedGen C0553586, MONDO:0008672, OMIM 193520.

Submissions (2):

Baylor Genetics
Classification: Likely pathogenic for Juvenile myelomonocytic leukemia. Last evaluated: 2022-08-11. Review status: criteria provided, single submitter. Criteria: ACMG Guidelines, 2015. Collection method: clinical testing. Allele origin: unknown.

Juno Genomics, Hangzhou Juno Genomics, Inc
Classification: Pathogenic for Café-au-lait macules with pulmonary stenosis; Neurofibromatosis, type 1; Juvenile myelomonocytic leukemia; Neurofibromatosis, familial spinal; Neurofibromatosis-Noonan syndrome. Review status: criteria provided, single submitter. Criteria: ACMG Guidelines, 2015. Collection method: clinical testing. Allele origin: germline. Affected: yes.
Comment: Absent from controls (or at extremely low frequency if recessive) in Genome Aggregation Database, Exome Sequencing Project, 1000 Genomes Project, or Exome Aggregation Consortium.;Null variant in a gene where loss of function (LOF) is a known mechanism of disease.;Patient's phenotype or family history is highly specific for a disease with a single genetic etiology.;Assumed de novo, but without confirmation of paternity and maternity.